The following is an entry in ClinVar:

NM_001123385.2(BCOR):c.1779C>A (p.Ser593=)

Gene: BCOR (BCL6 corepressor; minus strand). Cytogenetic location: Xp11.4.
Variant type: single nucleotide variant.
Coding change: c.1779C>A on transcript NM_001123385.2 (MANE Select); coding-DNA position 1779, C replaced by A.
Protein change: p.Ser593=; no amino-acid change (serine 593 retained).
Molecular consequence: synonymous variant.
Genome position (GRCh38, 1-based): chrX:40,073,567, G>T on the plus strand (C>A on the coding strand, the complement: BCOR is on the minus strand). VCF-style: chrX-40073567-G-T. GRCh37 (hg19) VCF-style: chrX-39932820-G-T.
Other names: c.1779C>A, p.Ser593= (NM_001123383.2, NM_001123384.2, NM_017745.6).
Identifiers: ClinVar variation 128523 (VCV000128523.20), dbSNP rs17145652, ClinGen allele CA152031.

ClinVar aggregate classification (germline): Benign. Review status: criteria provided, multiple submitters, no conflicts (2 of 4 stars). 6 submissions from 6 submitters: Benign (5). 1 of the submissions does not count toward it. Last evaluated 2025-12-23.

Conditions:
History of neurodevelopmental disorder. Identifiers: MedGen C2711754.
Oculofaciocardiodental syndrome (MCOPS2). Identifiers: Orphanet 2712, MedGen C1846265, MONDO:0010261, OMIM 300166.

Allele frequency attached by ClinVar (database versions not stated): 1000 Genomes Project 0.01828; ESP Exome Variant Server 0.01903; TOPMed 0.01710; 1000 Genomes Project 30x 0.01790.
gnomAD v4.1: 3,696 of 1,211,089 alleles (0.31%); highest among the groups gnomAD compares: African/African-American, 5%; 55 homozygotes.

Submissions (6):

Labcorp Genetics (formerly Invitae), Labcorp
Classification: Benign for Oculofaciocardiodental syndrome. Last evaluated: 2025-12-23. Review status: criteria provided, single submitter. Criteria: Invitae Variant Classification Sherloc (09022015). Collection method: clinical testing. Allele origin: germline.

GeneDx
Classification: Benign. Last evaluated: 2018-05-31. Review status: criteria provided, single submitter. Criteria: GeneDx Variant Classification (06012015). Collection method: clinical testing. Allele origin: germline. Affected: yes.
Comment: This variant is considered likely benign or benign based on one or more of the following criteria: it is a conservative change, it occurs at a poorly conserved position in the protein, it is predicted to be benign by multiple in silico algorithms, and/or has population frequency not consistent with disease.

Ambry Genetics
Classification: Benign for History of neurodevelopmental disorder. Last evaluated: 2014-11-11. Review status: criteria provided, single submitter. Criteria: Ambry Autosomal Dominant and X-Linked criteria (10/2015). Collection method: clinical testing. Allele origin: germline. Observed: 1 variant allele.
Comment: General population or subpopulation frequency is too high to be a pathogenic mutation based on disease/syndrome prevalence and penetrance

Breakthrough Genomics
Classification: Benign. Review status: criteria provided, single submitter. Criteria: ACMG Guidelines, 2015. Collection method: not provided. Allele origin: germline. Inheritance: X-linked inheritance. Affected: yes.

PreventionGenetics, part of Exact Sciences
Classification: Benign. Review status: criteria provided, single submitter. Criteria: ACMG Guidelines, 2015. Collection method: clinical testing. Allele origin: germline.

Genetic Services Laboratory, University of Chicago
Classification: Likely benign for AllHighlyPenetrant. Review status: no assertion criteria provided. Collection method: clinical testing. Allele origin: germline. Inheritance: X-linked inheritance. Not counted in ClinVar's aggregate classification.
Comment: Likely benign based on allele frequency in 1000 Genomes Project or ESP global frequency and its presence in a patient with a rare or unrelated disease phenotype. NOT Sanger confirmed.